The following is an entry in ClinVar:

NM_001035.3(RYR2):c.2719-7G>T

Gene: RYR2 (ryanodine receptor 2; plus strand). Cytogenetic location: 1q43.
Variant type: single nucleotide variant.
Coding change: c.2719-7G>T on transcript NM_001035.3 (MANE Select); 7 bases into the intron before coding-DNA position 2719, G replaced by T.
Molecular consequence: intron variant.
Genome position (GRCh38, 1-based): chr1:237,511,681, G>T. VCF-style: chr1-237511681-G-T. GRCh37 (hg19) VCF-style: chr1-237674981-G-T.
Identifiers: ClinVar variation 3070240 (VCV003070240.1), dbSNP rs2545965608, ClinGen allele CA2651200538.

ClinVar aggregate classification (germline): Uncertain significance (1 of 4 stars; one submission).

Conditions:
Catecholaminergic polymorphic ventricular tachycardia (CVPT). Also called: Catecholamine-induced polymorphic ventricular tachycardia. Identifiers: Orphanet 3286, MedGen C5574922, MONDO:0017990.

Submission:

All of Us Research Program, National Institutes of Health
Classification: Uncertain significance for Catecholaminergic polymorphic ventricular tachycardia. Last evaluated: 2023-04-03. Review status: criteria provided, single submitter. Criteria: ACMG Guidelines, 2015. Collection method: clinical testing. Allele origin: germline. Inheritance: Autosomal dominant inheritance. Observed: 1 variant allele, 1 heterozygote.
Comment: This variant causes a G to T nucleotide substitution at the -7 position of intron 23 of the RYR2 gene. To our knowledge, functional studies have not been reported for this variant. This variant has not been reported in individuals affected with RYR2-related disorders in the literature. This variant has not been identified in the general population by the Genome Aggregation Database (gnomAD). The available evidence is insufficient to determine the role of this variant in disease conclusively. Therefore, this variant is classified as a Variant of Uncertain Significance.

This study involves interpretation of variants in research participants for the purpose of population health screening. Participant phenotype was not available at the time of variant classification. Additional details can be found in publication PMID: 35346344, PMCID: PMC8962531